The following is an entry in ClinVar:

ClinVar aggregate classification (germline): Uncertain significance (1 of 4 stars; one submission).

Conditions:
SMARCA5-related disorder. Also called: SMARCA5-related condition; SMARCA5-Related Disorders.

Submission:

PreventionGenetics, part of Exact Sciences
Classification: Uncertain significance for SMARCA5-related condition. Last evaluated: 2023-03-09. Review status: criteria provided, single submitter. Criteria: ACMG Guidelines, 2015. Collection method: clinical testing. Allele origin: germline.
Comment: The SMARCA5 c.1027_1029delAAC variant is predicted to result in an in-frame deletion (p.Asn343del). To our knowledge, this variant has not been reported in the literature or in a large population database, indicating this variant is rare. At this time, the clinical significance of this variant is uncertain due to the absence of conclusive functional and genetic evidence.

NM_003601.4(SMARCA5):c.1024AAC[1] (p.Asn343del)

Gene: SMARCA5 (SNF2 related chromatin remodeling ATPase 5; plus strand). Cytogenetic location: 4q31.21.
Variant type: Microsatellite.
Coding change: c.1024AAC[1] on transcript NM_003601.4 (MANE Select); one copy of the 3-base unit AAC starting at c.1024; the reference has two copies in a row; one copy, 3 bases deleted.
Protein change: p.Asn343del; deletes asparagine 343.
Molecular consequence: inframe deletion.
Genome position (GRCh38, 1-based): chr4:143,528,652-143,528,654, AAC deleted; deleting any 3 consecutive bases within chr4:143,528,649-143,528,654 gives the same sequence; the position shown is the placement nearest the transcript's 3' end. VCF-style (leftmost placement, unchanged base first): chr4-143528648-GAAC-G. GRCh37 (hg19) VCF-style: chr4-144449801-GAAC-G.
Other names: short protein forms N343del.
Identifiers: ClinVar variation 2630263 (VCV002630263.1), dbSNP rs2531486707, ClinGen allele CA2695198537.